The following is an entry in ClinVar:

NM_001277115.2(DNAH11):c.1558C>T (p.Gln520Ter)

Gene: DNAH11 (dynein axonemal heavy chain 11; plus strand). Cytogenetic location: 7p15.3.
Variant type: single nucleotide variant.
Coding change: c.1558C>T on transcript NM_001277115.2 (MANE Select); coding-DNA position 1558, C replaced by T.
Protein change: p.Gln520Ter; replaces glutamine 520 with a stop codon.
Molecular consequence: nonsense.
Genome position (GRCh38, 1-based): chr7:21,571,938, C>T. VCF-style: chr7-21571938-C-T. GRCh37 (hg19) VCF-style: chr7-21611556-C-T.
Other names: c.1558C>T, p.Gln520Ter (NM_003777.3); short protein forms Q520*.
Identifiers: ClinVar variation 2748571 (VCV002748571.3), dbSNP rs540157623, ClinGen allele CA366936039.

ClinVar aggregate classification (germline): Pathogenic (1 of 4 stars; one submission).

Conditions:
Primary ciliary dyskinesia. Also called: Ciliary dyskinesia. Identifiers: Orphanet 244, MedGen C0008780, MONDO:0016575, HP:0012265.

Submission:

Labcorp Genetics (formerly Invitae), Labcorp
Classification: Pathogenic for Primary ciliary dyskinesia. Last evaluated: 2023-07-30. Review status: criteria provided, single submitter. Criteria: Invitae Variant Classification Sherloc (09022015). Collection method: clinical testing. Allele origin: germline.
Comment: For these reasons, this variant has been classified as Pathogenic. Algorithms developed to predict the effect of sequence changes on RNA splicing suggest that this variant may disrupt the consensus splice site. This variant has not been reported in the literature in individuals affected with DNAH11-related conditions. This variant is not present in population databases (gnomAD no frequency). This sequence change creates a premature translational stop signal (p.Gln520*) in the DNAH11 gene. It is expected to result in an absent or disrupted protein product. Loss-of-function variants in DNAH11 are known to be pathogenic (PMID: 18022865, 20513915, 22184204).

Literature cited by the submitters: PubMed 18022865; PubMed 20513915; PubMed 22184204.